The following is an entry in ClinVar:

NM_000101.4(CYBA):c.486G>C (p.Glu162Asp)

Gene: CYBA (cytochrome b-245 alpha chain; minus strand). Cytogenetic location: 16q24.2.
Variant type: single nucleotide variant.
Coding change: c.486G>C on transcript NM_000101.4 (MANE Select); coding-DNA position 486, G replaced by C.
Protein change: p.Glu162Asp; replaces glutamic acid 162 with aspartic acid.
Molecular consequence: missense variant.
Genome position (GRCh38, 1-based): chr16:88,643,455, C>G on the plus strand (G>C on the coding strand, the complement: CYBA is on the minus strand). VCF-style: chr16-88643455-C-G. GRCh37 (hg19) VCF-style: chr16-88709863-C-G.
Other names: short protein forms E162D.
Identifiers: ClinVar variation 858015 (VCV000858015.11), dbSNP rs1907156886, ClinGen allele CA397056959.

ClinVar aggregate classification (germline): Uncertain significance. Review status: criteria provided, single submitter (1 of 4 stars). 2 submissions from 2 submitters: Uncertain significance (1). 1 of the submissions does not count toward it. Last evaluated 2022-08-16.

Conditions:
Granulomatous disease, chronic, autosomal recessive, cytochrome b-negative. Also called: GRANULOMATOUS DISEASE, CHRONIC, AUTOSOMAL RECESSIVE, 4; Chronic granulomatous disease, autosomal, due to deficiency of CYBA; CGD DUE TO DEFICIENCY OF THE ALPHA SUBUNIT OF CYTOCHROME b; CGD, AUTOSOMAL RECESSIVE CYTOCHROME b-NEGATIVE; CYBA DEFICIENCY. Identifiers: Orphanet 379, MedGen C1856255, MONDO:0009308, OMIM 233690.
Chronic granulomatous disease. Identifiers: Orphanet 379, MedGen C0018203, MONDO:0018305.

Allele frequency attached by ClinVar (database versions not stated): gnomAD exomes below 0.00001.
gnomAD v4.1: 2 of 1,533,444 alleles (0.00013%); highest among the groups gnomAD compares: Non-Finnish European, 0.00017%; no homozygotes.

Submissions (2):

Labcorp Genetics (formerly Invitae), Labcorp
Classification: Uncertain significance for Granulomatous disease, chronic, autosomal recessive, cytochrome b-negative. Last evaluated: 2022-08-16. Review status: criteria provided, single submitter. Criteria: Invitae Variant Classification Sherloc (09022015). Collection method: clinical testing. Allele origin: germline.
Comment: ClinVar contains an entry for this variant (Variation ID: 858015). In summary, the available evidence is currently insufficient to determine the role of this variant in disease. Therefore, it has been classified as a Variant of Uncertain Significance. Algorithms developed to predict the effect of missense changes on protein structure and function are either unavailable or do not agree on the potential impact of this missense change (SIFT: "Deleterious"; PolyPhen-2: "Probably Damaging"; Align-GVGD: "Class C0"). This variant has not been reported in the literature in individuals affected with CYBA-related conditions. This variant is not present in population databases (gnomAD no frequency). This sequence change replaces glutamic acid, which is acidic and polar, with aspartic acid, which is acidic and polar, at codon 162 of the CYBA protein (p.Glu162Asp).

Natera, Inc.
Classification: Uncertain significance for Chronic granulomatous disease. Last evaluated: 2021-03-11. Review status: no assertion criteria provided. Collection method: clinical testing. Allele origin: germline. Not counted in ClinVar's aggregate classification.